The following is an entry in ClinVar:

NM_021098.3(CACNA1H):c.446T>C (p.Val149Ala)

Gene: CACNA1H (calcium voltage-gated channel subunit alpha1 H; plus strand). Cytogenetic location: 16p13.3.
Variant type: single nucleotide variant.
Coding change: c.446T>C on transcript NM_021098.3 (MANE Select); coding-DNA position 446, T replaced by C.
Protein change: p.Val149Ala; replaces valine 149 with alanine.
Molecular consequence: missense variant.
Genome position (GRCh38, 1-based): chr16:1,195,466, T>C. VCF-style: chr16-1195466-T-C. GRCh37 (hg19) VCF-style: chr16-1245466-T-C.
Other names: c.446T>C, p.Val149Ala (NM_001005407.2); short protein forms V149A.
Identifiers: ClinVar variation 4790811 (VCV004790811.1).

ClinVar aggregate classification (germline): Uncertain significance (1 of 4 stars; one submission).

Conditions:
Hyperaldosteronism, familial, type IV (HALD4). Also called: FH IV; ALDOSTERONISM, PRIMARY, AND HYPERTENSION. Identifiers: Orphanet 642671, MedGen C4310756, MONDO:0014875, OMIM 617027.
Idiopathic generalized epilepsy. Also called: EIG; Generalised epilepsy. Identifiers: MedGen C0270850, MONDO:0005579, OMIM 600669.

Submission:

Labcorp Genetics (formerly Invitae), Labcorp
Classification: Uncertain significance for Idiopathic generalized epilepsy; Hyperaldosteronism, familial, type IV. Last evaluated: 2025-08-22. Review status: criteria provided, single submitter. Criteria: Invitae Variant Classification Sherloc (09022015). Collection method: clinical testing. Allele origin: germline.
Comment: This sequence change replaces valine, which is neutral and non-polar, with alanine, which is neutral and non-polar, at codon 149 of the CACNA1H protein (p.Val149Ala). This variant is not present in population databases (gnomAD no frequency). This variant has not been reported in the literature in individuals affected with CACNA1H-related conditions. Invitae Evidence Modeling of protein sequence and biophysical properties (such as structural, functional, and spatial information, amino acid conservation, physicochemical variation, residue mobility, and thermodynamic stability) indicates that this missense variant is not expected to disrupt CACNA1H protein function with a negative predictive value of 80%. In summary, the available evidence is currently insufficient to determine the role of this variant in disease. Therefore, it has been classified as a Variant of Uncertain Significance.